The following is an entry in ClinVar:

NM_032520.5(GNPTG):c.3G>A (p.Met1Ile)

Genes: GNPTG (N-acetylglucosamine-1-phosphate transferase subunit gamma; plus strand), LOC130058158 (ATAC-STARR-seq lymphoblastoid silent region 6972; plus strand). Cytogenetic location: 16p13.3.
Variant type: single nucleotide variant.
Coding change: c.3G>A on transcript NM_032520.5 (MANE Select); coding-DNA position 3, G replaced by A.
Protein change: p.Met1Ile; changes the start codon (methionine 1).
Molecular consequence: missense variant, initiator codon variant.
Genome position (GRCh38, 1-based): chr16:1,351,968, G>A. VCF-style: chr16-1351968-G-A. GRCh37 (hg19) VCF-style: chr16-1401969-G-A.
Other names: c.3G>A (NM_032520.4); short protein forms M1I.
Identifiers: ClinVar variation 1422101 (VCV001422101.9), dbSNP rs2141632599, ClinGen allele CA394183754.

ClinVar aggregate classification (germline): Conflicting classifications of pathogenicity. Review status: criteria provided, conflicting classifications (1 of 4 stars). 2 submissions from 2 submitters: Likely pathogenic (1); Uncertain significance (1). Last evaluated 2026-01-08.

Conditions:
GNPTG-mucolipidosis. Also called: MUCOLIPIDOSIS III, COMPLEMENTATION GROUP C; MUCOLIPIDOSIS III, IRANIAN VARIANT FORM; MUCOLIPIDOSIS III, VARIANT FORM; Mucolipidosis type III gamma; ML III GAMMA; ML IIIC. Identifiers: Orphanet 423470, Orphanet 577, MedGen C1854896, MONDO:0009652, OMIM 252605.

Submissions (2):

Natera, Inc.
Classification: Likely pathogenic for Mucolipidosis III gamma. Last evaluated: 2026-01-08. Review status: criteria provided, single submitter. Criteria: Natera Variant Classification Schema (03/2026). Collection method: clinical testing. Allele origin: germline.
Comment: The c.3G>A variant in GNPTG is predicted to result in start loss due to disruption of the initiator methionine. This variant is expected to result in nonsense mediated decay, truncation, or a dysfunctional protein product. This variant is rare in the general population with a frequency below the threshold expected for the associated phenotype(s). Given the available evidence, this variant is classified as Likely Pathogenic.

Labcorp Genetics (formerly Invitae), Labcorp
Classification: Uncertain significance. Last evaluated: 2021-04-29. Review status: criteria provided, single submitter. Criteria: Invitae Variant Classification Sherloc (09022015). Collection method: clinical testing. Allele origin: germline.
Comment: In summary, the available evidence is currently insufficient to determine the role of this variant in disease. Therefore, it has been classified as a Variant of Uncertain Significance. Algorithms developed to predict the effect of sequence changes on RNA splicing suggest that this variant may create or strengthen a splice site, but this prediction has not been confirmed by published transcriptional studies. This variant has been observed in individual(s) with mucolipidosis type III gamma (Invitae). The frequency data for this variant in the population databases is considered unreliable, as metrics indicate insufficient coverage at this position in the ExAC database. This sequence change affects the initiator methionine of the GNPTG mRNA. The next in-frame methionine is located at codon p.Met27.